The following is an entry in ClinVar:

ClinVar aggregate classification (germline): Uncertain significance (1 of 4 stars; one submission).

Conditions:
Werner syndrome (WRN). Identifiers: Orphanet 902, MedGen C0043119, MONDO:0010196, OMIM 277700.

Submission:

Labcorp Genetics (formerly Invitae), Labcorp
Classification: Uncertain significance for Werner syndrome. Last evaluated: 2022-08-21. Review status: criteria provided, single submitter. Criteria: Invitae Variant Classification Sherloc (09022015). Collection method: clinical testing. Allele origin: germline.
Comment: In summary, the available evidence is currently insufficient to determine the role of this variant in disease. Therefore, it has been classified as a Variant of Uncertain Significance. This sequence change replaces glycine, which is neutral and non-polar, with arginine, which is basic and polar, at codon 931 of the WRN protein (p.Gly931Arg). This variant is not present in population databases (gnomAD no frequency). This variant has not been reported in the literature in individuals affected with WRN-related conditions. ClinVar contains an entry for this variant (Variation ID: 1038408). Algorithms developed to predict the effect of missense changes on protein structure and function output the following: SIFT: "Not Available"; PolyPhen-2: "Probably Damaging"; Align-GVGD: "Not Available". The arginine amino acid residue is found in multiple mammalian species, which suggests that this missense change does not adversely affect protein function.

NM_000553.6(WRN):c.2791G>A (p.Gly931Arg)

Gene: WRN (WRN RecQ like helicase; plus strand). Cytogenetic location: 8p12.
Variant type: single nucleotide variant.
Coding change: c.2791G>A on transcript NM_000553.6 (MANE Select); coding-DNA position 2791, G replaced by A.
Protein change: p.Gly931Arg; replaces glycine 931 with arginine.
Molecular consequence: missense variant.
Genome position (GRCh38, 1-based): chr8:31,124,966, G>A. VCF-style: chr8-31124966-G-A. GRCh37 (hg19) VCF-style: chr8-30982482-G-A.
Other names: short protein forms G931R.
Identifiers: ClinVar variation 1038408 (VCV001038408.5), dbSNP rs1801861810, ClinGen allele CA370917752.